The following is an entry in ClinVar:

ClinVar aggregate classification (germline): Uncertain significance. Review status: criteria provided, multiple submitters, no conflicts (2 of 4 stars). 2 submissions from 2 submitters: Uncertain significance (2). Last evaluated 2024-05-30.

Conditions:
Arrhythmogenic right ventricular dysplasia 5. Also called: Arrhythmogenic Right Ventricular Dysplasia/Cardiomyopathy 5; ARRHYTHMOGENIC RIGHT VENTRICULAR DYSPLASIA, FAMILIAL, 5. Identifiers: MedGen C1858379, MONDO:0011459, OMIM 604400.

Submissions (2):

All of Us Research Program, National Institutes of Health
Classification: Uncertain significance for Arrhythmogenic right ventricular dysplasia 5. Last evaluated: 2024-05-30. Review status: criteria provided, single submitter. Criteria: ACMG Guidelines, 2015. Collection method: clinical testing. Allele origin: germline. Inheritance: Autosomal dominant inheritance. Observed: 1 variant allele, 1 heterozygote.
Comment: This missense variant replaces glutamic acid with lysine at codon 132 of the TMEM43 protein. Computational prediction suggests that this variant may not impact protein structure and function (internally defined REVEL score threshold <= 0.5, PMID: 27666373). To our knowledge, functional studies have not been reported for this variant. This variant has not been reported in individuals affected with TMEM43-related disorders in the literature. This variant has not been identified in the general population by the Genome Aggregation Database (gnomAD). The available evidence is insufficient to determine the role of this variant in disease conclusively. Therefore, this variant is classified as a Variant of Uncertain Significance.

This study involves interpretation of variants in research participants for the purpose of population health screening. Participant phenotype was not available at the time of variant classification. Additional details can be found in publication PMID: 35346344, PMCID: PMC8962531

Labcorp Genetics (formerly Invitae), Labcorp
Classification: Uncertain significance for Arrhythmogenic right ventricular dysplasia 5. Last evaluated: 2022-04-18. Review status: criteria provided, single submitter. Criteria: Invitae Variant Classification Sherloc (09022015). Collection method: clinical testing. Allele origin: germline.
Comment: In summary, the available evidence is currently insufficient to determine the role of this variant in disease. Therefore, it has been classified as a Variant of Uncertain Significance. Algorithms developed to predict the effect of missense changes on protein structure and function (SIFT, PolyPhen-2, Align-GVGD) all suggest that this variant is likely to be tolerated. This variant has not been reported in the literature in individuals affected with TMEM43-related conditions. This variant is not present in population databases (gnomAD no frequency). This sequence change replaces glutamic acid, which is acidic and polar, with lysine, which is basic and polar, at codon 132 of the TMEM43 protein (p.Glu132Lys).

NM_024334.3(TMEM43):c.394G>A (p.Glu132Lys)

Gene: TMEM43 (transmembrane protein 43; plus strand). Cytogenetic location: 3p25.1.
Variant type: single nucleotide variant.
Coding change: c.394G>A on transcript NM_024334.3 (MANE Select); coding-DNA position 394, G replaced by A.
Protein change: p.Glu132Lys; replaces glutamic acid 132 with lysine.
Molecular consequence: missense variant.
Genome position (GRCh38, 1-based): chr3:14,132,547, G>A. VCF-style: chr3-14132547-G-A. GRCh37 (hg19) VCF-style: chr3-14174047-G-A.
Other names: c.394G>A, p.Glu132Lys (NM_001407274.1, NM_001407275.1, NM_001407276.1 and 2 more transcripts); c.379G>A, p.Glu127Lys (NM_001407278.1); c.244G>A, p.Glu82Lys (NM_001407280.1); short protein forms E132K, E127K, E82K.
Identifiers: ClinVar variation 2127856 (VCV002127856.5), dbSNP rs1315939046, ClinGen allele CA351534975.